The following is an entry in ClinVar:

NM_198075.4(LRRC56):c.271C>T (p.His91Tyr)

Gene: LRRC56 (leucine rich repeat containing 56; plus strand). Cytogenetic location: 11p15.5.
Variant type: single nucleotide variant.
Coding change: c.271C>T on transcript NM_198075.4 (MANE Select); coding-DNA position 271, C replaced by T.
Protein change: p.His91Tyr; replaces histidine 91 with tyrosine.
Molecular consequence: missense variant.
Genome position (GRCh38, 1-based): chr11:544,725, C>T. VCF-style: chr11-544725-C-T. GRCh37 (hg19) VCF-style: chr11-544725-C-T.
Other names: short protein forms H91Y.
Identifiers: ClinVar variation 1922683 (VCV001922683.3), dbSNP rs768539296, ClinGen allele CA5779615.
Genomic context (GRCh38, chr11:544,725, plus strand): 5'-CAGAGGTGGGCGGGGTGAGGGGCCGGGCCAACCTCCTCCTCCTGTGGCCATACAGGGGTG[C>T]ACCTGCCCAACCTGGACCAACTGAAGCTGAACGGCAGCCACCTGGGCTCCCTGAGGTGAG-3'
Protein context (NP_932341.1, residues 81-101): REGSLGNFGV[His91Tyr]LPNLDQLKLN

ClinVar aggregate classification (germline): Uncertain significance (1 of 4 stars; one submission).

Allele frequency attached by ClinVar (database versions not stated): ExAC 0.00001; gnomAD exomes 0.00001.

Submission:

Labcorp Genetics (formerly Invitae), Labcorp
Classification: Uncertain significance. Last evaluated: 2024-10-21. Review status: criteria provided, single submitter. Criteria: Invitae Variant Classification Sherloc (09022015). Collection method: clinical testing. Allele origin: germline.
Comment: This sequence change replaces histidine, which is basic and polar, with tyrosine, which is neutral and polar, at codon 91 of the LRRC56 protein (p.His91Tyr). This variant is present in population databases (rs768539296, gnomAD 0.0009%). This variant has not been reported in the literature in individuals affected with LRRC56-related conditions. ClinVar contains an entry for this variant (Variation ID: 1922683). Invitae Evidence Modeling of protein sequence and biophysical properties (such as structural, functional, and spatial information, amino acid conservation, physicochemical variation, residue mobility, and thermodynamic stability) indicates that this missense variant is not expected to disrupt LRRC56 protein function with a negative predictive value of 80%. In summary, the available evidence is currently insufficient to determine the role of this variant in disease. Therefore, it has been classified as a Variant of Uncertain Significance.